The following is an entry in ClinVar:

NM_020937.4(FANCM):c.242C>T (p.Ala81Val)

Gene: FANCM (FA complementation group M; plus strand). Cytogenetic location: 14q21.2.
Variant type: single nucleotide variant.
Coding change: c.242C>T on transcript NM_020937.4 (MANE Select); coding-DNA position 242, C replaced by T.
Protein change: p.Ala81Val; replaces alanine 81 with valine.
Molecular consequence: missense variant.
Genome position (GRCh38, 1-based): chr14:45,136,273, C>T. VCF-style: chr14-45136273-C-T. GRCh37 (hg19) VCF-style: chr14-45605476-C-T.
Other names: c.242C>T (NM_020937.3); c.242C>T, p.Ala81Val (NM_001308133.2, NM_001308134.2); short protein forms A81V.
Identifiers: ClinVar variation 849752 (VCV000849752.14), dbSNP rs538464580, ClinGen allele CA7168727.

ClinVar aggregate classification (germline): Uncertain significance. Review status: criteria provided, multiple submitters, no conflicts (2 of 4 stars). 5 submissions from 5 submitters: Uncertain significance (4). 1 of the submissions does not count toward it. Last evaluated 2025-01-20.

Conditions:
Spermatogenic failure 28. Identifiers: MedGen C4748117, MONDO:0054732, OMIM 618086.
Premature ovarian failure 15. Identifiers: MedGen C4748170, MONDO:0054862, OMIM 618096.
Fanconi anemia (FA). Also called: Fanconi's anemia. Identifiers: Orphanet 84, MedGen C0015625, MeSH D005199, MONDO:0019391.
FANCM-related disorder. Also called: FANCM-related condition.

Allele frequency attached by ClinVar (database versions not stated): gnomAD 0.00002 and 0.00005; TOPMed 0.00002; gnomAD exomes 0.00011 and 0.00017; ExAC 0.00016; 1000 Genomes Project 30x 0.00031; 1000 Genomes Project 0.00040.
gnomAD v4.1: 162 of 1,614,120 alleles (0.01%); highest among the groups gnomAD compares: South Asian, 0.14%; 1 homozygote.

Submissions (5):

Labcorp Genetics (formerly Invitae), Labcorp
Classification: Uncertain significance for Fanconi anemia. Last evaluated: 2025-01-20. Review status: criteria provided, single submitter. Criteria: Invitae Variant Classification Sherloc (09022015). Collection method: clinical testing. Allele origin: germline.
Comment: This sequence change replaces alanine, which is neutral and non-polar, with valine, which is neutral and non-polar, at codon 81 of the FANCM protein (p.Ala81Val). This variant is present in population databases (rs538464580, gnomAD 0.1%). This variant has not been reported in the literature in individuals affected with FANCM-related conditions. ClinVar contains an entry for this variant (Variation ID: 849752). An algorithm developed to predict the effect of missense changes on protein structure and function (PolyPhen-2) suggests that this variant is likely to be tolerated. In summary, the available evidence is currently insufficient to determine the role of this variant in disease. Therefore, it has been classified as a Variant of Uncertain Significance.

GeneDx
Classification: Uncertain significance. Last evaluated: 2024-09-27. Review status: criteria provided, single submitter. Criteria: GeneDx Variant Classification Process June 2021. Collection method: clinical testing. Allele origin: germline. Affected: yes.
Comment: In silico analysis supports that this missense variant has a deleterious effect on protein structure/function; Has not been previously published as pathogenic or benign to our knowledge

Quest Diagnostics Nichols Institute San Juan Capistrano
Classification: Uncertain significance. Last evaluated: 2024-06-25. Review status: criteria provided, single submitter. Criteria: Quest Diagnostics criteria. Collection method: clinical testing. Allele origin: unknown.
Comment: The FANCM c.242C>T (p.Ala81Val) variant has been reported in the published literature in individuals with breast cancer and reportedly healthy individuals (PMID: 33471991 (2021), see also LOVD). The frequency of this variant in the general population, 0.0013 (40/30616 chromosomes in South Asian subpopulation (Genome Aggregation Database)), is higher than would generally be expected for pathogenic variants in this gene. Analysis of this variant using bioinformatics tools for the prediction of the effect of amino acid changes on protein structure and function yielded predictions that this variant is benign. Based on the available information, we are unable to determine the clinical significance of this variant.

Fulgent Genetics
Classification: Uncertain significance for Spermatogenic failure 28; Premature ovarian failure 15. Last evaluated: 2024-05-14. Review status: criteria provided, single submitter. Criteria: ACMG Guidelines, 2015. Collection method: clinical testing. Allele origin: germline.

PreventionGenetics, part of Exact Sciences
Classification: Likely benign for FANCM-related condition. Last evaluated: 2024-09-28. Review status: no assertion criteria provided. Collection method: clinical testing. Allele origin: germline. Not counted in ClinVar's aggregate classification.
Comment: This variant is classified as likely benign based on ACMG/AMP sequence variant interpretation guidelines (Richards et al. 2015 PMID: 25741868, with internal and published modifications).

Literature cited by the submitters: PubMed 33471991 (cited by Quest Diagnostics Nichols Institute San Juan Capistrano).